The following is an entry in ClinVar:

NM_001395413.1(POR):c.981_988dup (p.Leu330fs)

Genes: POR (cytochrome p450 oxidoreductase; plus strand), LOC126860075 (CDK7 strongly-dependent group 2 enhancer GRCh37_chr7:75612087-75613286; plus strand). Cytogenetic location: 7q11.23.
Variant type: Duplication.
Coding change: c.981_988dup on transcript NM_001395413.1 (MANE Select); coding-DNA positions 981 to 988, 8 bases duplicated (CTCTGCTC; older notation c.981_988dupCTCTGCTC).
Protein change: p.Leu330fs; shifts the reading frame from leucine 330.
Molecular consequence: frameshift variant.
Genome position (GRCh38, 1-based): chr7:75,983,780-75,983,787, CTCTGCTC duplicated. VCF-style (leftmost placement, unchanged base first): chr7-75983779-A-ACTCTGCTC. GRCh37 (hg19) VCF-style: chr7-75613097-A-ACTCTGCTC.
Other names: c.990_997dup, p.Leu333Profs (NM_000941.2, NM_000941.3); c.981_988dup, p.Leu330fs (NM_001367562.3, NM_001382657.2, NM_001382658.3 and 2 more transcripts); c.1035_1042dup, p.Leu348fs (NM_001382655.3); short protein forms L348fs, L330fs.
Identifiers: ClinVar variation 2785905 (VCV002785905.3), dbSNP rs2535395073, ClinGen allele CA2683381372.
Genomic context (GRCh38, chr7:75,983,779, plus strand): 5'-GCCTCACATCTCCCTCCAGGTATGAATCTGGGGACCACGTGGCTGTGTACCCAGCCAACG[A>ACTCTGCTC]CTCTGCTCTCGTCAACCAGCTGGGCAAAATCCTGGGTGCCGACCTGGACGTCGTCATGTC-3'

ClinVar aggregate classification (germline): Pathogenic (1 of 4 stars; one submission).

Conditions:
Congenital adrenal hyperplasia due to cytochrome P450 oxidoreductase deficiency. Also called: DISORDERED STEROIDOGENESIS DUE TO POR DEFICIENCY. Identifiers: Orphanet 95699, MedGen C1860042, MONDO:0013310, OMIM 613571.

Allele frequency attached by ClinVar (database versions not stated): gnomAD exomes below 0.00001.

Submission:

Labcorp Genetics (formerly Invitae), Labcorp
Classification: Pathogenic for Congenital adrenal hyperplasia due to cytochrome P450 oxidoreductase deficiency. Last evaluated: 2023-11-07. Review status: criteria provided, single submitter. Criteria: Invitae Variant Classification Sherloc (09022015). Collection method: clinical testing. Allele origin: germline.
Comment: This sequence change creates a premature translational stop signal (p.Leu333Profs*22) in the POR gene. It is expected to result in an absent or disrupted protein product. Loss-of-function variants in POR are known to be pathogenic (PMID: 14758361, 20732302, 21741353). This variant is not present in population databases (gnomAD no frequency). This variant has not been reported in the literature in individuals affected with POR-related conditions. Algorithms developed to predict the effect of sequence changes on RNA splicing suggest that this variant may create or strengthen a splice site. For these reasons, this variant has been classified as Pathogenic.

Literature cited by the submitters: PubMed 14758361; PubMed 20732302; PubMed 21741353.